The following is an entry in ClinVar:

ClinVar aggregate classification (germline): Uncertain significance. Review status: criteria provided, multiple submitters, no conflicts (2 of 4 stars). 2 submissions from 2 submitters: Uncertain significance (2). Last evaluated 2025-09-25.

Conditions:
Inborn genetic diseases. Identifiers: MedGen C0950123, MeSH D030342.

Allele frequency attached by ClinVar (database versions not stated): gnomAD exomes below 0.00001.
gnomAD v4.1: 5 of 1,613,230 alleles (0.00031%); highest among the groups gnomAD compares: Non-Finnish European, 0.00042%; no homozygotes.

Submissions (2):

Ambry Genetics
Classification: Uncertain significance for Inborn genetic diseases. Last evaluated: 2025-09-25. Review status: criteria provided, single submitter. Criteria: Ambry Variant Classification Scheme 2023. Collection method: clinical testing. Allele origin: germline.

CeGaT Center for Human Genetics Tuebingen
Classification: Uncertain significance. Last evaluated: 2022-07-01. Review status: criteria provided, single submitter. Criteria: CeGaT Center For Human Genetics Tuebingen Variant Classification Criteria Version 2. Collection method: clinical testing. Allele origin: germline. Affected: yes. Observed: 1 variant allele.
Comment: IRF2BPL: PM2

NM_024496.4(IRF2BPL):c.1393A>C (p.Lys465Gln)

Gene: IRF2BPL (interferon regulatory factor 2 binding protein like; minus strand). Cytogenetic location: 14q24.3.
Variant type: single nucleotide variant.
Coding change: c.1393A>C on transcript NM_024496.4 (MANE Select); coding-DNA position 1393, A replaced by C.
Protein change: p.Lys465Gln; replaces lysine 465 with glutamine.
Molecular consequence: missense variant.
Genome position (GRCh38, 1-based): chr14:77,026,400, T>G on the plus strand (A>C on the coding strand, the complement: IRF2BPL is on the minus strand). VCF-style: chr14-77026400-T-G. GRCh37 (hg19) VCF-style: chr14-77492743-T-G.
Other names: c.1393A>C (NM_024496.2); short protein forms K465Q.
Identifiers: ClinVar variation 2644387 (VCV002644387.24), dbSNP rs924464224, ClinGen allele CA263778118.